The following is an entry in ClinVar:

ClinVar aggregate classification (germline): Likely benign. Review status: criteria provided, multiple submitters, no conflicts (2 of 4 stars). 5 submissions from 5 submitters: Likely benign (5). Last evaluated 2025-11-25.

Conditions:
Cardiovascular phenotype. Identifiers: MedGen CN230736.
Cardiomyopathy (CMYO). Also called: Cardiomyopathies. Identifiers: Orphanet 167848, MedGen C0878544, MONDO:0004994, HP:0001638. Inheritance: Various modes of inheritance.
LMNA-related disorder. Also called: LMNA-related condition; LMNA-related disease; LMNA-related disorders. Identifiers: MedGen CN380145.
Primary dilated cardiomyopathy (DCM). Also called: Dilated Cardiomyopathy. Identifiers: Orphanet 217604, MedGen C0007193, MeSH D002311, MONDO:0005021, HP:0001644. Inheritance: Various modes of inheritance.
Charcot-Marie-Tooth disease type 2. Also called: Charcot-Marie-Tooth type 2. Identifiers: Orphanet 64746, MedGen C0270914, MONDO:0018993.

Allele frequency attached by ClinVar (database versions not stated): gnomAD exomes below 0.00001; gnomAD 0.00001; TOPMed 0.00001.
gnomAD v4.1: 8 of 1,614,126 alleles (0.0005%); highest among the groups gnomAD compares: South Asian, 0.0011%; no homozygotes.

Submissions (5):

PreventionGenetics, part of Exact Sciences
Classification: Likely benign for LMNA-related condition. Last evaluated: 2025-11-25. Review status: criteria provided, single submitter. Criteria: ACMG Guidelines, 2015. Collection method: clinical testing. Allele origin: germline.
Comment: This variant is classified as likely benign based on ACMG/AMP sequence variant interpretation guidelines (Richards et al. 2015 PMID: 25741868, with internal and published modifications).

Labcorp Genetics (formerly Invitae), Labcorp
Classification: Likely benign for Charcot-Marie-Tooth disease type 2. Last evaluated: 2025-10-01. Review status: criteria provided, single submitter. Criteria: Invitae Variant Classification Sherloc (09022015). Collection method: clinical testing. Allele origin: germline.

All of Us Research Program, National Institutes of Health
Classification: Likely benign for Primary dilated cardiomyopathy. Last evaluated: 2024-07-20. Review status: criteria provided, single submitter. Criteria: ACMG Guidelines, 2015. Collection method: clinical testing. Allele origin: germline. Inheritance: Autosomal dominant inheritance. Observed: 3 variant alleles, 3 heterozygotes.
Comment: This study involves interpretation of variants in research participants for the purpose of population health screening. Participant phenotype was not available at the time of variant classification. Additional details can be found in publication PMID: 35346344, PMCID: PMC8962531

Color Diagnostics, LLC DBA Color Health
Classification: Likely benign for Cardiomyopathy. Last evaluated: 2019-11-24. Review status: criteria provided, single submitter. Criteria: ACMG Guidelines, 2015. Collection method: clinical testing. Allele origin: germline.

Ambry Genetics
Classification: Likely benign for Cardiovascular phenotype. Last evaluated: 2019-08-12. Review status: criteria provided, single submitter. Criteria: Ambry Variant Classification Scheme 2023. Collection method: clinical testing. Allele origin: germline.

NM_170707.4(LMNA):c.678G>A (p.Leu226=)

Gene: LMNA (lamin A/C; plus strand). Cytogenetic location: 1q22.
Variant type: single nucleotide variant.
Coding change: c.678G>A on transcript NM_170707.4 (MANE Select); coding-DNA position 678, G replaced by A.
Protein change: p.Leu226=; no amino-acid change (leucine 226 retained).
Molecular consequence: synonymous variant.
Genome position (GRCh38, 1-based): chr1:156,134,843, G>A. VCF-style: chr1-156134843-G-A. GRCh37 (hg19) VCF-style: chr1-156104634-G-A.
Other names: c.678G>A (NM_170707.3); c.342G>A, p.Leu114= (NM_001257374.3); c.435G>A, p.Leu145= (NM_001282624.2); c.678G>A, p.Leu226= (NM_001282625.2, NM_001282626.2, NM_005572.4 and 1 more transcripts).
Identifiers: ClinVar variation 918435 (VCV000918435.15), dbSNP rs964377328, ClinGen allele CA31011385.